The following is an entry in ClinVar:

ClinVar aggregate classification (germline): Uncertain significance. Review status: criteria provided, multiple submitters, no conflicts (2 of 4 stars). 2 submissions from 2 submitters: Uncertain significance (2). Last evaluated 2022-11-15.

Conditions:
Intellectual developmental disorder, autosomal recessive 46. Also called: Intellectual disability, autosomal recessive 46. Identifiers: Orphanet 88616, MedGen C4015283, MONDO:0014499, OMIM 616116.
Inborn genetic diseases. Identifiers: MedGen C0950123, MeSH D030342.

Allele frequency attached by ClinVar (database versions not stated): gnomAD exomes 0.00001; ExAC 0.00002; TOPMed 0.00002; gnomAD 0.00003.
gnomAD v4.1: 15 of 1,613,518 alleles (0.00093%); highest among the groups gnomAD compares: African/African-American, 0.0053%; no homozygotes.

Submissions (2):

Ambry Genetics
Classification: Uncertain significance for Inborn genetic diseases. Last evaluated: 2022-11-15. Review status: criteria provided, single submitter. Criteria: Ambry Variant Classification Scheme 2023. Collection method: clinical testing. Allele origin: germline.
Comment: Not expected to trigger nonsense-mediated mRNA decay Based on insufficient or conflicting evidence, the clinical significance of this alteration remains unclear.

Revvity Omics, Revvity
Classification: Uncertain significance for Intellectual developmental disorder, autosomal recessive 46. Last evaluated: 2019-10-11. Review status: criteria provided, single submitter. Criteria: ACMG Guidelines, 2015. Collection method: clinical testing. Allele origin: germline.

NM_001543.5(NDST1):c.2623C>T (p.Arg875Ter)

Gene: NDST1 (N-deacetylase and N-sulfotransferase 1; plus strand). Cytogenetic location: 5q33.1.
Variant type: single nucleotide variant.
Coding change: c.2623C>T on transcript NM_001543.5 (MANE Select); coding-DNA position 2623, C replaced by T.
Protein change: p.Arg875Ter; replaces arginine 875 with a stop codon.
Molecular consequence: nonsense.
Genome position (GRCh38, 1-based): chr5:150,553,306, C>T. VCF-style: chr5-150553306-C-T. GRCh37 (hg19) VCF-style: chr5-149932868-C-T.
Other names: c.2452C>T, p.Arg818Ter (NM_001301063.2); short protein forms R875*, R818*.
Identifiers: ClinVar variation 2408522 (VCV002408522.5), dbSNP rs750489076, ClinGen allele CA3513023.